The following is an entry in ClinVar:

NM_002834.5(PTPN11):c.155C>A (p.Thr52Asn)

Gene: PTPN11 (protein tyrosine phosphatase non-receptor type 11; plus strand). Cytogenetic location: 12q24.13.
Variant type: single nucleotide variant.
Coding change: c.155C>A on transcript NM_002834.5 (MANE Select); coding-DNA position 155, C replaced by A.
Protein change: p.Thr52Asn; replaces threonine 52 with asparagine.
Molecular consequence: missense variant.
Genome position (GRCh38, 1-based): chr12:112,450,335, C>A. VCF-style: chr12-112450335-C-A. GRCh37 (hg19) VCF-style: chr12-112888139-C-A.
Other names: c.155C>A, p.Thr52Asn (NM_001330437.2, NM_080601.3); c.152C>A, p.Thr51Asn (NM_001374625.1); short protein forms T51N, T52N.
Identifiers: ClinVar variation 3637656 (VCV003637656.2).

ClinVar aggregate classification (germline): Uncertain significance (1 of 4 stars; one submission).

Conditions:
RASopathy. Also called: Noonan spectrum disorder; rasopathies. Identifiers: Orphanet 536391, MedGen C5555857, MONDO:0021060.

Submission:

Labcorp Genetics (formerly Invitae), Labcorp
Classification: Uncertain significance for RASopathy. Last evaluated: 2025-01-09. Review status: criteria provided, single submitter. Criteria: Invitae Variant Classification Sherloc (09022015). Collection method: clinical testing. Allele origin: germline.
Comment: This sequence change replaces threonine, which is neutral and polar, with asparagine, which is neutral and polar, at codon 52 of the PTPN11 protein (p.Thr52Asn). This variant is not present in population databases (gnomAD no frequency). This variant has not been reported in the literature in individuals affected with PTPN11-related conditions. Invitae Evidence Modeling of protein sequence and biophysical properties (such as structural, functional, and spatial information, amino acid conservation, physicochemical variation, residue mobility, and thermodynamic stability) indicates that this missense variant is expected to disrupt PTPN11 protein function with a positive predictive value of 95%. In summary, the available evidence is currently insufficient to determine the role of this variant in disease. Therefore, it has been classified as a Variant of Uncertain Significance.